The following is an entry in ClinVar:

ClinVar aggregate classification (germline): Benign/Likely benign. Review status: criteria provided, multiple submitters, no conflicts (2 of 4 stars). 6 submissions from 6 submitters: Benign (5); Likely benign (1). Last evaluated 2026-01-27.

Conditions:
Neuronopathy, distal hereditary motor, autosomal recessive 4. Also called: Autosomal recessive lower motor neuron disease with childhood onset; NEUROPATHY, DISTAL HEREDITARY MOTOR, AUTOSOMAL RECESSIVE 4. Identifiers: Orphanet 206580, MedGen C1970211, MONDO:0012608, OMIM 611067.
Charcot-Marie-Tooth disease recessive intermediate C. Also called: CHARCOT-MARIE-TOOTH NEUROPATHY, RECESSIVE INTERMEDIATE C. Identifiers: Orphanet 369867, MedGen C3809309, MONDO:0014154, OMIM 615376.
Inborn genetic diseases. Identifiers: MedGen C0950123, MeSH D030342.

Allele frequency attached by ClinVar (database versions not stated): TOPMed 0.00621; ESP Exome Variant Server 0.00631; 1000 Genomes Project 0.00639; 1000 Genomes Project 30x 0.00687.
gnomAD v4.1: 1,888 of 1,612,844 alleles (0.12%); highest among the groups gnomAD compares: African/African-American, 2.1%; 23 homozygotes.

Submissions (6):

Labcorp Genetics (formerly Invitae), Labcorp
Classification: Benign for Neuronopathy, distal hereditary motor, autosomal recessive 4; Charcot-Marie-Tooth disease recessive intermediate C. Last evaluated: 2026-01-27. Review status: criteria provided, single submitter. Criteria: Invitae Variant Classification Sherloc (09022015). Collection method: clinical testing. Allele origin: germline.

ARUP Laboratories, Molecular Genetics and Genomics, ARUP Laboratories
Classification: Benign. Last evaluated: 2023-12-20. Review status: criteria provided, single submitter. Criteria: ARUP Molecular Germline Variant Investigation Process 2024. Collection method: clinical testing. Allele origin: germline.

Mayo Clinic Laboratories, Mayo Clinic
Classification: Benign. Last evaluated: 2023-06-05. Review status: criteria provided, single submitter. Criteria: ACMG Guidelines, 2015. Collection method: clinical testing. Allele origin: germline. Observed: 9 variant alleles.

Ambry Genetics
Classification: Likely benign for Inborn genetic diseases. Last evaluated: 2019-07-11. Review status: criteria provided, single submitter. Criteria: Ambry Variant Classification Scheme 2023. Collection method: clinical testing. Allele origin: germline.

GeneDx
Classification: Benign. Last evaluated: 2017-03-08. Review status: criteria provided, single submitter. Criteria: GeneDx Variant Classification (06012015). Collection method: clinical testing. Allele origin: germline. Affected: yes.
Comment: This variant is considered likely benign or benign based on one or more of the following criteria: it is a conservative change, it occurs at a poorly conserved position in the protein, it is predicted to be benign by multiple in silico algorithms, and/or has population frequency not consistent with disease.

Eurofins Ntd Llc (ga)
Classification: Benign. Last evaluated: 2016-09-22. Review status: criteria provided, single submitter. Criteria: EGL Classification Definitions 2015. Collection method: clinical testing. Allele origin: germline. Observed: 2 variant alleles, 2 heterozygotes.

NM_020631.6(PLEKHG5):c.2319C>T (p.Pro773=)

Gene: PLEKHG5 (pleckstrin homology and RhoGEF domain containing G5; minus strand). Cytogenetic location: 1p36.31.
Variant type: single nucleotide variant.
Coding change: c.2319C>T on transcript NM_020631.6 (MANE Select); coding-DNA position 2319, C replaced by T.
Protein change: p.Pro773=; no amino-acid change (proline 773 retained).
Molecular consequence: synonymous variant.
Genome position (GRCh38, 1-based): chr1:6,468,517, G>A on the plus strand (C>T on the coding strand, the complement: PLEKHG5 is on the minus strand). VCF-style: chr1-6468517-G-A. GRCh37 (hg19) VCF-style: chr1-6528577-G-A.
Other names: p.Pro773=; c.2430C>T, p.Pro810= (NM_001042663.3, NM_001265592.2); c.2319C>T, p.Pro773= (NM_001042664.2, NM_001042665.2, NM_001265594.3 and 1 more transcripts); c.2526C>T, p.Pro842= (NM_001265593.2); c.2319C>T (NM_020631.5).
Identifiers: ClinVar variation 291269 (VCV000291269.26), dbSNP rs80031446, ClinGen allele CA561186.